The following is an entry in ClinVar:

NM_005475.3(SH2B3):c.1685G>A (p.Arg562Gln)

Gene: SH2B3 (SH2B adaptor protein 3; plus strand). Cytogenetic location: 12q24.12.
Variant type: single nucleotide variant.
Coding change: c.1685G>A on transcript NM_005475.3 (MANE Select); coding-DNA position 1685, G replaced by A.
Protein change: p.Arg562Gln; replaces arginine 562 with glutamine.
Molecular consequence: missense variant.
Genome position (GRCh38, 1-based): chr12:111,448,259, G>A. VCF-style: chr12-111448259-G-A. GRCh37 (hg19) VCF-style: chr12-111886063-G-A.
Other names: c.1079G>A, p.Arg360Gln (NM_001291424.1); short protein forms R562Q, R360Q.
Identifiers: ClinVar variation 3161125 (VCV003161125.2), dbSNP rs770527337, ClinGen allele CA6790065.

ClinVar aggregate classification (germline): Uncertain significance (1 of 4 stars; one submission).

Conditions:
Inborn genetic diseases. Identifiers: MedGen C0950123, MeSH D030342.

Allele frequency attached by ClinVar (database versions not stated): gnomAD exomes 0.00001; ExAC 0.00002; gnomAD 0.00004; TOPMed 0.00004.
gnomAD v4.1: 23 of 1,613,900 alleles (0.0014%); highest among the groups gnomAD compares: Admixed American, 0.027%; no homozygotes.

Submission:

Ambry Genetics
Classification: Uncertain significance for Inborn genetic diseases. Last evaluated: 2024-11-25. Review status: criteria provided, single submitter. Criteria: Ambry Variant Classification Scheme 2023. Collection method: clinical testing. Allele origin: germline.
Comment: The p.R562Q variant (also known as c.1685G>A), located in coding exon 7 of the SH2B3 gene, results from a G to A substitution at nucleotide position 1685. The arginine at codon 562 is replaced by glutamine, an amino acid with highly similar properties. This amino acid position is conserved. In addition, the in silico prediction for this alteration is inconclusive. Based on the available evidence, the clinical significance of this variant remains unclear.